The following is an entry in ClinVar:

NM_000256.3(MYBPC3):c.3382G>A (p.Glu1128Lys)

Gene: MYBPC3 (myosin binding protein C3; minus strand). Cytogenetic location: 11p11.2.
Variant type: single nucleotide variant.
Coding change: c.3382G>A on transcript NM_000256.3 (MANE Select); coding-DNA position 3382, G replaced by A.
Protein change: p.Glu1128Lys; replaces glutamic acid 1128 with lysine.
Molecular consequence: missense variant.
Genome position (GRCh38, 1-based): chr11:47,332,922, C>T on the plus strand (G>A on the coding strand, the complement: MYBPC3 is on the minus strand). VCF-style: chr11-47332922-C-T. GRCh37 (hg19) VCF-style: chr11-47354473-C-T.
Other names: short protein forms E1128K.
Identifiers: ClinVar variation 4731427 (VCV004731427.1).

ClinVar aggregate classification (germline): Uncertain significance (1 of 4 stars; one submission).

Conditions:
Hypertrophic cardiomyopathy. Also called: HYPERTROPHIC MYOCARDIOPATHY. Identifiers: Orphanet 217569, MedGen C0007194, MeSH D002312, MONDO:0005045, HP:0001639.

Submission:

Labcorp Genetics (formerly Invitae), Labcorp
Classification: Uncertain significance for Hypertrophic cardiomyopathy. Last evaluated: 2025-11-22. Review status: criteria provided, single submitter. Criteria: Invitae Variant Classification Sherloc (09022015). Collection method: clinical testing. Allele origin: germline.
Comment: This sequence change replaces glutamic acid, which is acidic and polar, with lysine, which is basic and polar, at codon 1128 of the MYBPC3 protein (p.Glu1128Lys). This variant is not present in population databases (gnomAD no frequency). This variant has not been reported in the literature in individuals affected with MYBPC3-related conditions. An algorithm developed to predict the effect of missense changes on protein structure and function (PolyPhen-2) suggests that this variant is likely to be disruptive. In summary, the available evidence is currently insufficient to determine the role of this variant in disease. Therefore, it has been classified as a Variant of Uncertain Significance.